The following is an entry in ClinVar:

NM_001267550.2(TTN):c.57593A>G (p.Asn19198Ser)

Genes: TTN (titin; minus strand), TTN-AS1 (TTN antisense RNA 1; plus strand). Cytogenetic location: 2q31.2.
Variant type: single nucleotide variant.
Coding change: c.57593A>G on transcript NM_001267550.2 (MANE Select); coding-DNA position 57593, A replaced by G.
Protein change: p.Asn19198Ser; replaces asparagine 19198 with serine.
Molecular consequence: missense variant.
Genome position (GRCh38, 1-based): chr2:178,595,761, T>C on the plus strand (A>G on the coding strand, the complement: TTN is on the minus strand). VCF-style: chr2-178595761-T-C. GRCh37 (hg19) VCF-style: chr2-179460488-T-C.
Other names: p.N17557S:AAT>AGT; c.57593A>G (NM_001267550.1); c.52670A>G, p.Asn17557Ser (NM_001256850.1); c.30398A>G, p.Asn10133Ser (NM_003319.4); c.49889A>G, p.Asn16630Ser (NM_133378.4); c.30773A>G, p.Asn10258Ser (NM_133432.3); c.30974A>G, p.Asn10325Ser (NM_133437.4); short protein forms N19198S, N17557S, N16630S, N10133S, N10258S, N10325S.
Identifiers: ClinVar variation 195842 (VCV000195842.19), dbSNP rs199787097, ClinGen allele CA302855.

ClinVar aggregate classification (germline): Uncertain significance. Review status: criteria provided, multiple submitters, no conflicts (2 of 4 stars). 8 submissions from 8 submitters: Uncertain significance (8). Last evaluated 2025-12-23.

Conditions:
TTN-related disorder. Also called: TTN-related condition; TTN-related disease; TTN-related disorders.
Dilated cardiomyopathy 1G (CMD1G). Identifiers: Orphanet 154, MedGen C1858763, MONDO:0011400, OMIM 604145.
Autosomal recessive limb-girdle muscular dystrophy type 2J (LGMDR10). Also called: Limb-girdle muscular dystrophy, type 2J; MUSCULAR DYSTROPHY, LIMB-GIRDLE, AUTOSOMAL RECESSIVE 10. Identifiers: Orphanet 140922, MedGen C1837342, MONDO:0012127, OMIM 608807.
Early-onset myopathy with fatal cardiomyopathy (CMYO5). Also called: Salih Myopathy; CONGENITAL MYOPATHY 5 WITH CARDIOMYOPATHY. Identifiers: Orphanet 289377, MedGen C2673677, MONDO:0012714, OMIM 611705. Disease mechanism: loss of function.
Tibial muscular dystrophy (TMD). Also called: Tibial muscular dystrophy, tardive; Udd Distal Myopathy – Tibial Muscular Dystrophy; UDD MYOPATHY. Identifiers: Orphanet 609, MedGen C1838244, MONDO:0010870, OMIM 600334.
Myopathy, myofibrillar, 9, with early respiratory failure (MFM9). Also called: Myopathy, distal, with early respiratory failure, autosomal dominant; MYOPATHY, PROXIMAL, WITH EARLY RESPIRATORY MUSCLE INVOLVEMENT; Hereditary myopathy with early respiratory failure; EDSTROM MYOPATHY. Identifiers: Orphanet 178464, Orphanet 34521, MedGen C1863599, MONDO:0011362, OMIM 603689.
Hypertrophic cardiomyopathy 9. Also called: Familial hypertrophic cardiomyopathy 9. Identifiers: MedGen C1861065, MONDO:0013412, OMIM 613765.

Allele frequency attached by ClinVar (database versions not stated): gnomAD exomes 0.00004 and 0.00012; gnomAD 0.00005; TOPMed 0.00005; ExAC 0.00006; ESP Exome Variant Server 0.00017.
gnomAD v4.1: 179 of 1,608,608 alleles (0.011%); highest among the groups gnomAD compares: Non-Finnish European, 0.015%; no homozygotes.

Submissions (8):

PreventionGenetics, part of Exact Sciences
Classification: Uncertain significance for TTN-related condition. Last evaluated: 2025-12-23. Review status: criteria provided, single submitter. Criteria: ACMG Guidelines, 2015. Collection method: clinical testing. Allele origin: germline.
Comment: The TTN c.57593A>G variant is predicted to result in the amino acid substitution p.Asn19198Ser. This variant has been reported in an individual with dilated cardiomyopathy (Table S3, Mazzarotto et al. 2020. PubMed ID: 31983221). This variant is reported in 0.0073% of alleles in individuals of European (Non-Finnish) descent in gnomAD. Although we suspect that this variant may be benign, at this time, the clinical significance of this variant is uncertain due to the absence of conclusive functional and genetic evidence.

Women's Health and Genetics/Laboratory Corporation of America, LabCorp
Classification: Uncertain significance. Last evaluated: 2025-11-12. Review status: criteria provided, single submitter. Criteria: LabCorp Variant Classification Summary - May 2015. Collection method: clinical testing. Allele origin: germline.
Comment: Variant summary: TTN c.49889A>G (p.Asn16630Ser) results in a conservative amino acid change located in the A-band region of the encoded protein sequence. Algorithms developed to predict the effect of missense changes on protein structure and function are either unavailable or do not agree on the potential impact of this missense change. Several computational tools predict a significant impact on normal splicing: Four predict the variant creates a 5 donor site. However, these predictions have yet to be confirmed by functional studies. The variant allele was found at a frequency of 3.7e-05 in 240600 control chromosomes. The available data on variant occurrences in the general population are insufficient to allow any conclusion about variant significance. To our knowledge, no occurrence of c.49889A>G in individuals affected with TTN-related conditions and no experimental evidence demonstrating its impact on protein function have been reported. ClinVar contains an entry for this variant (Variation ID: 195842). Based on the evidence outlined above, the variant was classified as uncertain significance.

Athena Diagnostics
Classification: Uncertain significance. Last evaluated: 2022-02-21. Review status: criteria provided, single submitter. Criteria: Athena Diagnostics Criteria. Collection method: clinical testing. Allele origin: unknown.

Fulgent Genetics
Classification: Uncertain significance for Tibial muscular dystrophy; Myopathy, myofibrillar, 9, with early respiratory failure; Dilated cardiomyopathy 1G; Autosomal recessive limb-girdle muscular dystrophy type 2J; Early-onset myopathy with fatal cardiomyopathy; Hypertrophic cardiomyopathy 9. Last evaluated: 2021-08-03. Review status: criteria provided, single submitter. Criteria: ACMG Guidelines, 2015. Collection method: clinical testing. Allele origin: unknown.

Mayo Clinic Laboratories, Mayo Clinic
Classification: Uncertain significance. Last evaluated: 2020-08-05. Review status: criteria provided, single submitter. Criteria: ACMG Guidelines, 2015. Collection method: clinical testing. Allele origin: germline. Observed: 1 variant allele.

GeneDx
Classification: Uncertain significance. Last evaluated: 2020-02-14. Review status: criteria provided, single submitter. Criteria: GeneDx Variant Classification Process June 2021. Collection method: clinical testing. Allele origin: germline. Affected: yes.
Comment: Has not been previously published as pathogenic or benign to our knowledge; Reported in ClinVar as a variant of uncertain significance (ClinVar Variant ID# 195842; Landrum et al., 2016); In silico analysis, which includes splice predictors and evolutionary conservation, suggests this variant may impact gene splicing. In the absence of RNA/functional studies, the actual effect of this sequence change is unknown.; Located in the A-band region of titin, where the majority of truncating pathogenic variants associated with DCM have been reported (Herman et al., 2012)

Labcorp Genetics (formerly Invitae), Labcorp
Classification: Uncertain significance for Dilated cardiomyopathy 1G; Autosomal recessive limb-girdle muscular dystrophy type 2J. Last evaluated: 2018-08-09. Review status: criteria provided, single submitter. Criteria: Invitae Variant Classification Sherloc (09022015). Collection method: clinical testing. Allele origin: germline.
Comment: This sequence change replaces asparagine with serine at codon 19198 of the TTN protein (p.Asn19198Ser). There is a small physicochemical difference between asparagine and serine. This variant is present in population databases (rs199787097, ExAC 0.01%). This variant has not been reported in the literature in individuals with TTN-related disease. ClinVar contains an entry for this variant (Variation ID: 195842). Algorithms developed to predict the effect of sequence changes on RNA splicing suggest that this variant may create or strengthen a splice site, but this prediction has not been confirmed by published transcriptional studies. In summary, the available evidence is currently insufficient to determine the role of this variant in disease. Therefore, it has been classified as a Variant of Uncertain Significance.

Eurofins Ntd Llc (ga)
Classification: Uncertain significance. Last evaluated: 2015-03-03. Review status: criteria provided, single submitter. Criteria: EGL Classification Definitions 2015. Collection method: clinical testing. Allele origin: germline. Observed: 1 variant allele, 1 heterozygote.